The following is an entry in ClinVar:

ClinVar aggregate classification (germline): Uncertain significance. Review status: criteria provided, multiple submitters, no conflicts (2 of 4 stars). 2 submissions from 2 submitters: Uncertain significance (2). Last evaluated 2022-04-11.

Conditions:
Inborn genetic diseases. Identifiers: MedGen C0950123, MeSH D030342.

gnomAD v4.1: 3 of 1,611,822 alleles (0.00019%); highest among the groups gnomAD compares: South Asian, 0.0011%; no homozygotes.

Submissions (2):

Ambry Genetics
Classification: Uncertain significance for Inborn genetic diseases. Last evaluated: 2022-04-11. Review status: criteria provided, single submitter. Criteria: Ambry Variant Classification Scheme 2023. Collection method: clinical testing. Allele origin: germline.
Comment: The p.V334L variant (also known as c.1000G>T), located in coding exon 9 of the MDH2 gene, results from a G to T substitution at nucleotide position 1000. The valine at codon 334 is replaced by leucine, an amino acid with highly similar properties. This amino acid position is conserved. In addition, the in silico prediction for this alteration is inconclusive. Since supporting evidence is limited at this time, the clinical significance of this alteration remains unclear.

Labcorp Genetics (formerly Invitae), Labcorp
Classification: Uncertain significance. Last evaluated: 2021-11-23. Review status: criteria provided, single submitter. Criteria: Invitae Variant Classification Sherloc (09022015). Collection method: clinical testing. Allele origin: germline.
Comment: In summary, the available evidence is currently insufficient to determine the role of this variant in disease. Therefore, it has been classified as a Variant of Uncertain Significance. Algorithms developed to predict the effect of missense changes on protein structure and function (SIFT, PolyPhen-2, Align-GVGD) all suggest that this variant is likely to be tolerated. This variant has not been reported in the literature in individuals affected with MDH2-related conditions. This variant is not present in population databases (gnomAD no frequency). This sequence change replaces valine, which is neutral and non-polar, with leucine, which is neutral and non-polar, at codon 334 of the MDH2 protein (p.Val334Leu).

NM_005918.4(MDH2):c.1000G>T (p.Val334Leu)

Gene: MDH2 (malate dehydrogenase 2; plus strand). Cytogenetic location: 7q11.23.
Variant type: single nucleotide variant.
Coding change: c.1000G>T on transcript NM_005918.4 (MANE Select); coding-DNA position 1000, G replaced by T.
Protein change: p.Val334Leu; replaces valine 334 with leucine.
Molecular consequence: missense variant.
Genome position (GRCh38, 1-based): chr7:76,066,393, G>T. VCF-style: chr7-76066393-G-T. GRCh37 (hg19) VCF-style: chr7-75695711-G-T.
Other names: c.874G>T, p.Val292Leu (NM_001282403.2); c.679G>T, p.Val227Leu (NM_001282404.2); short protein forms V334L, V227L, V292L.
Identifiers: ClinVar variation 1351876 (VCV001351876.6), dbSNP rs140381447, ClinGen allele CA367770238.